The following is an entry in ClinVar:

NM_000350.3(ABCA4):c.6098T>G (p.Leu2033Arg)

Gene: ABCA4 (ATP binding cassette subfamily A member 4; minus strand). Cytogenetic location: 1p22.1.
Variant type: single nucleotide variant.
Coding change: c.6098T>G on transcript NM_000350.3 (MANE Select); coding-DNA position 6098, T replaced by G.
Protein change: p.Leu2033Arg; replaces leucine 2033 with arginine.
Molecular consequence: missense variant.
Genome position (GRCh38, 1-based): chr1:94,005,490, A>C on the plus strand (T>G on the coding strand, the complement: ABCA4 is on the minus strand). VCF-style: chr1-94005490-A-C. GRCh37 (hg19) VCF-style: chr1-94471046-A-C.
Other names: c.5876T>G, p.Leu1959Arg (NM_001425324.1); short protein forms L2033R, L1959R.
Identifiers: ClinVar variation 438105 (VCV000438105.9), dbSNP rs1553186896, ClinGen allele CA341278996.
Genomic context (GRCh38, chr1:94,005,490, plus strand): 5'-ACATTTTTCACCTTTTCGATTTCTTCTGCTGGTACACCTCGAAGCCGGGCATAAAGGTAA[A>C]GATGTTCTCGTCCTGTGAGCAGCTCATCAATTGCATCAAACTGAGGACAGTAGCCCATAT-3'
Protein context (NP_000341.2, residues 2023-2043): IDELLTGREH[Leu2033Arg]YLYARLRGVP

ClinVar aggregate classification (germline): Pathogenic. Review status: criteria provided, multiple submitters, no conflicts (2 of 4 stars). 5 submissions from 5 submitters: Pathogenic (3). 2 of the submissions do not count toward it. Last evaluated 2024-12-12.

Conditions:
ABCA4-related disorder. Also called: ABCA4-related condition; ABCA4-related disorders. Identifiers: MedGen CN239167.
Stargardt disease (FFM). Also called: Fundus flavimaculatus; Stargardt's disease. Identifiers: Orphanet 827, MedGen C0271093, MONDO:0019353.
Retinitis pigmentosa 19 (RP19). Also called: ABCA4-Related Retinitis Pigmentosa. Identifiers: Orphanet 791, MedGen C1866422, MONDO:0011137, OMIM 601718.
Retinal dystrophy. Also called: Inherited retinal dystrophy. Identifiers: Orphanet 71862, MedGen C0854723, MeSH D058499, MONDO:0019118, HP:0000556.

gnomAD v4.1: 9 of 1,614,226 alleles (0.00056%); highest among the groups gnomAD compares: Non-Finnish European, 0.00076%; no homozygotes.

Submissions (5):

3billion
Classification: Pathogenic for Retinitis pigmentosa 19. Last evaluated: 2024-12-12. Review status: criteria provided, single submitter. Criteria: ACMG Guidelines, 2015. Collection method: clinical testing. Allele origin: germline. Affected: yes.
Comment: The variant is observed at an extremely low frequency in the gnomAD v4.1.0 dataset (total allele frequency: <0.001%). Predicted Consequence/Location: Missense variant In silico tool predictions suggest damaging effect of the variant on gene or gene product [REVEL: 0.97 (>=0.6, sensitivity 0.68 and specificity 0.92); 3Cnet: 0.86 (>=0.6, sensitivity 0.72 and precision 0.9)]. The same nucleotide change resulting in the same amino acid change has been previously reported as pathogenic/likely pathogenic with strong evidence (ClinVar ID: VCV000438105 /PMID: 22229821, VCV000438105). The variant has been reported to be in trans with a pathogenic variant as either compound heterozygous or homozygous in at least one similarly affected unrelated individual (PMID: 22229821, 28041643). Different missense changes at the same codon (p.Leu2033His, p.Leu2033Pro) have been reported to be associated with ABCA4-related disorder (ClinVar ID: VCV000438104 /PMID: 25474345, 28327576). Therefore, this variant is classified as Pathogenic according to the recommendation of ACMG/AMP guideline.

Blueprint Genetics
Classification: Pathogenic for ABCA4-related disorders. Last evaluated: 2024-08-09. Review status: criteria provided, single submitter. Criteria: ACMG Guidelines, 2015. Collection method: clinical testing. Allele origin: germline. Affected: yes. Observed: 5 variant alleles.

Labcorp Genetics (formerly Invitae), Labcorp
Classification: Pathogenic. Last evaluated: 2024-03-07. Review status: criteria provided, single submitter. Criteria: Invitae Variant Classification Sherloc (09022015). Collection method: clinical testing. Allele origin: germline.
Comment: This sequence change replaces leucine, which is neutral and non-polar, with arginine, which is basic and polar, at codon 2033 of the ABCA4 protein (p.Leu2033Arg). This variant is not present in population databases (gnomAD no frequency). This missense change has been observed in individual(s) with cone-rod dystrophy and/or Stargardt disease (PMID: 22229821, 25346251, 28041643, 30718709, 32581362). In at least one individual the data is consistent with being in trans (on the opposite chromosome) from a pathogenic variant. ClinVar contains an entry for this variant (Variation ID: 438105). Advanced modeling of protein sequence and biophysical properties (such as structural, functional, and spatial information, amino acid conservation, physicochemical variation, residue mobility, and thermodynamic stability) performed at Invitae indicates that this missense variant is expected to disrupt ABCA4 protein function with a positive predictive value of 95%. For these reasons, this variant has been classified as Pathogenic.

Department of Clinical Genetics, Copenhagen University Hospital, Rigshospitalet
Classification: Likely pathogenic for Stargardt disease. Last evaluated: 2018-04-01. Review status: no assertion criteria provided. Collection method: research. Allele origin: unknown. Affected: yes. Study: VeluxRD. Not counted in ClinVar's aggregate classification.

NIHR Bioresource Rare Diseases, University of Cambridge
Classification: Likely pathogenic for Retinal dystrophy. Last evaluated: 2015-01-01. Review status: no assertion criteria provided. Collection method: research. Allele origin: unknown. Affected: yes. Observed: 1 variant allele. Not counted in ClinVar's aggregate classification.

Literature cited by the submitters: PubMed 22229821 (cited by 3 submitters); PubMed 25474345 (cited by 3billion); PubMed 28041643 (cited by 3 submitters); PubMed 25346251 (cited by Labcorp Genetics (formerly Invitae), Labcorp); PubMed 30718709 (cited by Labcorp Genetics (formerly Invitae), Labcorp and Department of Clinical Genetics, Copenhagen University Hospital, Rigshospitalet); PubMed 32581362 (cited by Labcorp Genetics (formerly Invitae), Labcorp).